The following is an entry in ClinVar:

NM_032040.5(CCDC8):c.1592A>T (p.Gln531Leu)

Gene: CCDC8 (coiled-coil domain containing 8; minus strand). Cytogenetic location: 19q13.32.
Variant type: single nucleotide variant.
Coding change: c.1592A>T on transcript NM_032040.5 (MANE Select); coding-DNA position 1592, A replaced by T.
Protein change: p.Gln531Leu; replaces glutamine 531 with leucine.
Molecular consequence: missense variant.
Genome position (GRCh38, 1-based): chr19:46,411,219, T>A on the plus strand (A>T on the coding strand, the complement: CCDC8 is on the minus strand). VCF-style: chr19-46411219-T-A. GRCh37 (hg19) VCF-style: chr19-46914476-T-A.
Other names: short protein forms Q531L.
Identifiers: ClinVar variation 1372765 (VCV001372765.5), dbSNP rs749259459, ClinGen allele CA9528438.

ClinVar aggregate classification (germline): Uncertain significance (1 of 4 stars; one submission).

Allele frequency attached by ClinVar (database versions not stated): gnomAD exomes below 0.00001 and 0.00001; ExAC 0.00001; gnomAD 0.00005; TOPMed 0.00007.

Submission:

Labcorp Genetics (formerly Invitae), Labcorp
Classification: Uncertain significance. Last evaluated: 2021-08-31. Review status: criteria provided, single submitter. Criteria: Invitae Variant Classification Sherloc (09022015). Collection method: clinical testing. Allele origin: germline.
Comment: This sequence change replaces glutamine with leucine at codon 531 of the CCDC8 protein (p.Gln531Leu). The glutamine residue is weakly conserved and there is a moderate physicochemical difference between glutamine and leucine. This variant is present in population databases (rs749259459, ExAC 0.01%). This variant has not been reported in the literature in individuals affected with CCDC8-related conditions. Algorithms developed to predict the effect of missense changes on protein structure and function are either unavailable or do not agree on the potential impact of this missense change (SIFT: "Tolerated"; PolyPhen-2: "Not Available"; Align-GVGD: "Class C0"). In summary, the available evidence is currently insufficient to determine the role of this variant in disease. Therefore, it has been classified as a Variant of Uncertain Significance.